The following is an entry in ClinVar:

NM_003906.5(MCM3AP):c.1655T>A (p.Leu552His)

Gene: MCM3AP (minichromosome maintenance complex component 3 associated protein; minus strand). Cytogenetic location: 21q22.3.
Variant type: single nucleotide variant.
Coding change: c.1655T>A on transcript NM_003906.5 (MANE Select); coding-DNA position 1655, T replaced by A.
Protein change: p.Leu552His; replaces leucine 552 with histidine.
Molecular consequence: missense variant.
Genome position (GRCh38, 1-based): chr21:46,280,005, A>T on the plus strand (T>A on the coding strand, the complement: MCM3AP is on the minus strand). VCF-style: chr21-46280005-A-T. GRCh37 (hg19) VCF-style: chr21-47699919-A-T.
Other names: short protein forms L552H.
Identifiers: ClinVar variation 2047867 (VCV002047867.4), dbSNP rs567959171, ClinGen allele CA321976565.
Genomic context (GRCh38, chr21:46,280,005, plus strand): 5'-ATTTCCTGGTCCTTCCGGAATAAGGTCATTAGGAGGGACCGATCCCACCTTTTATTCAGG[A>T]GGCTGCTAGCACCAGTCCTCCCTGCGGCCTTGCCAAGAGGAGAGTGCTGAAAGGGTGCAT-3'
Protein context (NP_003897.2, residues 542-562): KAAGRTGASS[Leu552His]LNKSSPVKKP

ClinVar aggregate classification (germline): Uncertain significance (1 of 4 stars; one submission).

Allele frequency attached by ClinVar (database versions not stated): gnomAD exomes below 0.00001.
gnomAD v4.1: 2 of 1,611,932 alleles (0.00012%); highest among the groups gnomAD compares: African/African-American, 0.0013%; no homozygotes.

Submission:

Labcorp Genetics (formerly Invitae), Labcorp
Classification: Uncertain significance. Last evaluated: 2024-02-24. Review status: criteria provided, single submitter. Criteria: Invitae Variant Classification Sherloc (09022015). Collection method: clinical testing. Allele origin: germline.
Comment: This sequence change replaces leucine, which is neutral and non-polar, with histidine, which is basic and polar, at codon 552 of the MCM3AP protein (p.Leu552His). This variant is not present in population databases (gnomAD no frequency). This variant has not been reported in the literature in individuals affected with MCM3AP-related conditions. ClinVar contains an entry for this variant (Variation ID: 2047867). An algorithm developed to predict the effect of missense changes on protein structure and function (PolyPhen-2) suggests that this variant is likely to be disruptive. In summary, the available evidence is currently insufficient to determine the role of this variant in disease. Therefore, it has been classified as a Variant of Uncertain Significance.